The following is an entry in ClinVar:

ClinVar aggregate classification (germline): Uncertain significance. Review status: criteria provided, multiple submitters, no conflicts (2 of 4 stars). 2 submissions from 2 submitters: Uncertain significance (2). Last evaluated 2025-10-29.

gnomAD v4.1: 8 of 1,613,570 alleles (0.0005%); highest among the groups gnomAD compares: South Asian, 0.0033%; no homozygotes.

Submissions (2):

Ambry Genetics
Classification: Uncertain significance. Last evaluated: 2025-10-29. Review status: criteria provided, single submitter. Criteria: Ambry Variant Classification Scheme 2023. Collection method: clinical testing. Allele origin: germline.

Labcorp Genetics (formerly Invitae), Labcorp
Classification: Uncertain significance. Last evaluated: 2025-10-22. Review status: criteria provided, single submitter. Criteria: Invitae Variant Classification Sherloc (09022015). Collection method: clinical testing. Allele origin: germline.
Comment: This sequence change replaces arginine, which is basic and polar, with histidine, which is basic and polar, at codon 137 of the CBX2 protein (p.Arg137His). This variant is present in population databases (rs151114184, gnomAD 0.003%). This variant has not been reported in the literature in individuals affected with CBX2-related conditions. Invitae Evidence Modeling of protein sequence and biophysical properties (such as structural, functional, and spatial information, amino acid conservation, physicochemical variation, residue mobility, and thermodynamic stability) indicates that this missense variant is expected to disrupt CBX2 protein function with a positive predictive value of 80%. In summary, the available evidence is currently insufficient to determine the role of this variant in disease. Therefore, it has been classified as a Variant of Uncertain Significance.

NM_005189.3(CBX2):c.410G>A (p.Arg137His)

Gene: CBX2 (chromobox 2; plus strand). Cytogenetic location: 17q25.3.
Variant type: single nucleotide variant.
Coding change: c.410G>A on transcript NM_005189.3 (MANE Select); coding-DNA position 410, G replaced by A.
Protein change: p.Arg137His; replaces arginine 137 with histidine.
Molecular consequence: missense variant.
Genome position (GRCh38, 1-based): chr17:79,783,853, G>A. VCF-style: chr17-79783853-G-A. GRCh37 (hg19) VCF-style: chr17-77757652-G-A.
Other names: short protein forms R137H.
Identifiers: ClinVar variation 4648791 (VCV004648791.2).